The following is an entry in ClinVar:

ClinVar aggregate classification (germline): Uncertain significance (1 of 4 stars; one submission).

Allele frequency attached by ClinVar (database versions not stated): gnomAD exomes below 0.00001.
gnomAD v4.1: 1 of 1,613,232 alleles (0.000062%); highest among the groups gnomAD compares: Non-Finnish European, 0.000085%; no homozygotes.

Submission:

Labcorp Genetics (formerly Invitae), Labcorp
Classification: Uncertain significance. Last evaluated: 2024-11-18. Review status: criteria provided, single submitter. Criteria: Invitae Variant Classification Sherloc (09022015). Collection method: clinical testing. Allele origin: germline.
Comment: This sequence change replaces proline, which is neutral and non-polar, with serine, which is neutral and polar, at codon 479 of the PCLO protein (p.Pro479Ser). This variant is not present in population databases (gnomAD no frequency). This variant has not been reported in the literature in individuals affected with PCLO-related conditions. ClinVar contains an entry for this variant (Variation ID: 1388351). An algorithm developed to predict the effect of missense changes on protein structure and function outputs the following: PolyPhen-2: "Possibly Damaging". The serine amino acid residue is found in multiple mammalian species, which suggests that this missense change does not adversely affect protein function. In summary, the available evidence is currently insufficient to determine the role of this variant in disease. Therefore, it has been classified as a Variant of Uncertain Significance.

NM_033026.6(PCLO):c.1435C>T (p.Pro479Ser)

Gene: PCLO (piccolo presynaptic cytomatrix protein; minus strand). Cytogenetic location: 7q21.11.
Variant type: single nucleotide variant.
Coding change: c.1435C>T on transcript NM_033026.6 (MANE Select); coding-DNA position 1435, C replaced by T.
Protein change: p.Pro479Ser; replaces proline 479 with serine.
Molecular consequence: missense variant.
Genome position (GRCh38, 1-based): chr7:83,155,206, G>A on the plus strand (C>T on the coding strand, the complement: PCLO is on the minus strand). VCF-style: chr7-83155206-G-A. GRCh37 (hg19) VCF-style: chr7-82784522-G-A.
Other names: c.1435C>T, p.Pro479Ser (NM_014510.3); short protein forms P479S.
Identifiers: ClinVar variation 1388351 (VCV001388351.6), dbSNP rs1384152847, ClinGen allele CA367914262.